The following is an entry in ClinVar:

NM_001040436.3(YARS2):c.1310A>T (p.Asn437Ile)

Gene: YARS2 (tyrosyl-tRNA synthetase 2; minus strand). Cytogenetic location: 12p11.21.
Variant type: single nucleotide variant.
Coding change: c.1310A>T on transcript NM_001040436.3 (MANE Select); coding-DNA position 1310, A replaced by T.
Protein change: p.Asn437Ile; replaces asparagine 437 with isoleucine.
Molecular consequence: missense variant.
Genome position (GRCh38, 1-based): chr12:32,747,328, T>A on the plus strand (A>T on the coding strand, the complement: YARS2 is on the minus strand). VCF-style: chr12-32747328-T-A. GRCh37 (hg19) VCF-style: chr12-32900262-T-A.
Other names: short protein forms N437I.
Identifiers: ClinVar variation 2018330 (VCV002018330.4), dbSNP rs759120181, ClinGen allele CA235212421.

ClinVar aggregate classification (germline): Uncertain significance (1 of 4 stars; one submission).

Submission:

Labcorp Genetics (formerly Invitae), Labcorp
Classification: Uncertain significance. Last evaluated: 2022-07-20. Review status: criteria provided, single submitter. Criteria: Invitae Variant Classification Sherloc (09022015). Collection method: clinical testing. Allele origin: germline.
Comment: In summary, the available evidence is currently insufficient to determine the role of this variant in disease. Therefore, it has been classified as a Variant of Uncertain Significance. Advanced modeling of protein sequence and biophysical properties (such as structural, functional, and spatial information, amino acid conservation, physicochemical variation, residue mobility, and thermodynamic stability) performed at Invitae indicates that this missense variant is expected to disrupt YARS2 protein function. This variant has not been reported in the literature in individuals affected with YARS2-related conditions. This variant is not present in population databases (gnomAD no frequency). This sequence change replaces asparagine, which is neutral and polar, with isoleucine, which is neutral and non-polar, at codon 437 of the YARS2 protein (p.Asn437Ile).